The following is an entry in ClinVar:

NM_198904.4(GABRG2):c.71C>A (p.Thr24Lys)

Gene: GABRG2 (gamma-aminobutyric acid type A receptor subunit gamma2; plus strand). Cytogenetic location: 5q34.
Variant type: single nucleotide variant.
Coding change: c.71C>A on transcript NM_198904.4 (MANE Select); coding-DNA position 71, C replaced by A.
Protein change: p.Thr24Lys; replaces threonine 24 with lysine.
Molecular consequence: missense variant. On other transcripts: 5 prime UTR variant (3), intron variant (1).
Genome position (GRCh38, 1-based): chr5:162,068,070, C>A. VCF-style: chr5-162068070-C-A. GRCh37 (hg19) VCF-style: chr5-161495076-C-A.
Other names: c.71C>A, p.Thr24Lys (NM_001375344.1, NM_198903.2, NM_000816.3 and 5 more transcripts); c.5C>A, p.Thr2Lys (NM_001375345.1, NM_001375346.1); c.-288C>A (NM_001375348.1, NM_001375350.1); c.20+429C>A (NM_001375347.1); c.-336C>A (NM_001375349.1); short protein forms T24K, T2K.
Identifiers: ClinVar variation 408216 (VCV000408216.10), dbSNP rs1060501891, ClinGen allele CA16611804.

ClinVar aggregate classification (germline): Uncertain significance (1 of 4 stars; one submission).

Conditions:
Febrile seizures, familial, 8 (FEB8). Also called: CONVULSIONS, FAMILIAL FEBRILE, 8. Identifiers: Orphanet 36387, MedGen C1969810, MONDO:0011891, OMIM 607681.
EPILEPSY, CHILDHOOD ABSENCE, SUSCEPTIBILITY TO, 2 (ECA2). Identifiers: Orphanet 64280, MedGen C1843244, OMIM 607681.

Submission:

Labcorp Genetics (formerly Invitae), Labcorp
Classification: Uncertain significance for Febrile seizures, familial, 8; EPILEPSY, CHILDHOOD ABSENCE, SUSCEPTIBILITY TO, 2. Last evaluated: 2016-08-03. Review status: criteria provided, single submitter. Criteria: Invitae Variant Classification Sherloc (09022015). Collection method: clinical testing. Allele origin: germline.
Comment: In summary, this variant is a novel missense change that is not predicted to affect protein function. There is no indication that it causes disease, but the available evidence is currently insufficient to prove that conclusively. Therefore, it has been classified as a Variant of Uncertain Significance. Algorithms developed to predict the effect of missense changes on protein structure and function (SIFT, PolyPhen-2, Align-GVGD) all suggest that this variant is likely to be tolerated, but these predictions have not been confirmed by published functional studies. This variant is not present in population databases (ExAC no frequency) and has not been reported in the literature in individuals with a GABRG2-related disease. This sequence change replaces threonine with lysine at codon 24 of the GABRG2 protein (p.Thr24Lys). The threonine residue is moderately conserved and there is a moderate physicochemical difference between threonine and lysine.